The following is an entry in ClinVar:

NM_024529.5(CDC73):c.1020A>C (p.Val340=)

Gene: CDC73 (cell division cycle 73; plus strand). Cytogenetic location: 1q31.2.
Variant type: single nucleotide variant.
Coding change: c.1020A>C on transcript NM_024529.5 (MANE Select); coding-DNA position 1020, A replaced by C.
Protein change: p.Val340=; no amino-acid change (valine 340 retained).
Molecular consequence: synonymous variant.
Genome position (GRCh38, 1-based): chr1:193,203,842, A>C. VCF-style: chr1-193203842-A-C. GRCh37 (hg19) VCF-style: chr1-193172972-A-C.
Identifiers: ClinVar variation 3898690 (VCV003898690.7).
Genomic context (GRCh38, chr1:193,203,842, plus strand): 5'-TATTCTTTTAAAGGAGGGTGCATCTGCCCGGAAGACTCAGACTCCTGCAGCCCAGCCAGT[A>C]CCAAGACCAGGTAGAAATATAGAACTTTGCTTTTTGTTTTCTTTCAAAAGATCGTAACAG-3'
Protein context (NP_078805.3, residues 330-350): RKTQTPAAQP[Val340=]PRPVSQARPP

ClinVar aggregate classification (germline): Likely benign (1 of 4 stars; one submission).

Submission:

CeGaT Center for Human Genetics Tuebingen
Classification: Likely benign. Last evaluated: 2025-04-01. Review status: criteria provided, single submitter. Criteria: CeGaT Center For Human Genetics Tuebingen Variant Classification Criteria Version 2. Collection method: clinical testing. Allele origin: germline. Affected: yes. Observed: 3 variant alleles.
Comment: CDC73: PM2:Supporting, BP4, BP7